The following is an entry in ClinVar:

NM_001114753.3(ENG):c.194A>G (p.His65Arg)

Gene: ENG (endoglin; minus strand). Cytogenetic location: 9q34.11.
Variant type: single nucleotide variant.
Coding change: c.194A>G on transcript NM_001114753.3 (MANE Select); coding-DNA position 194, A replaced by G.
Protein change: p.His65Arg; replaces histidine 65 with arginine.
Molecular consequence: missense variant. On other transcripts: 5 prime UTR variant (1).
Genome position (GRCh38, 1-based): chr9:127,843,119, T>C on the plus strand (A>G on the coding strand, the complement: ENG is on the minus strand). VCF-style: chr9-127843119-T-C. GRCh37 (hg19) VCF-style: chr9-130605398-T-C.
Other names: c.194A>G, p.His65Arg (NM_000118.4, NM_001406715.1); c.-353A>G (NM_001278138.2); short protein forms H65R.
Identifiers: ClinVar variation 934305 (VCV000934305.13), dbSNP rs1267116267, ClinGen allele CA374988952.

ClinVar aggregate classification (germline): Uncertain significance (1 of 4 stars; one submission).

Conditions:
Hereditary hemorrhagic telangiectasia (HHT). Also called: ORW DISEASE; Osler Weber Rendu syndrome; OSLER-RENDU-WEBER DISEASE; Osler hemorrhagic telangiectasia syndrome. Identifiers: Orphanet 774, MedGen C0039445, MONDO:0019180. Disease mechanism: loss of function.

Allele frequency attached by ClinVar (database versions not stated): TOPMed 0.00001; gnomAD 0.00001.
gnomAD v4.1: 2 of 1,614,018 alleles (0.00012%); highest among the groups gnomAD compares: Non-Finnish European, 0.00017%; no homozygotes.

Submission:

Labcorp Genetics (formerly Invitae), Labcorp
Classification: Uncertain significance for Hereditary hemorrhagic telangiectasia. Last evaluated: 2019-09-08. Review status: criteria provided, single submitter. Criteria: Invitae Variant Classification Sherloc (09022015). Collection method: clinical testing. Allele origin: germline.
Comment: This sequence change replaces histidine with arginine at codon 65 of the ENG protein (p.His65Arg). The histidine residue is highly conserved and there is a small physicochemical difference between histidine and arginine. This variant is not present in population databases (ExAC no frequency). This variant has not been reported in the literature in individuals with ENG-related conditions. Algorithms developed to predict the effect of missense changes on protein structure and function output the following: SIFT: "Deleterious"; PolyPhen-2: "Benign"; Align-GVGD: "Class C0". The arginine amino acid residue is found in multiple mammalian species, suggesting that this missense change does not adversely affect protein function. These predictions have not been confirmed by published functional studies and their clinical significance is uncertain. In summary, the available evidence is currently insufficient to determine the role of this variant in disease. Therefore, it has been classified as a Variant of Uncertain Significance.